The following is an entry in ClinVar:

ClinVar aggregate classification (germline): Likely pathogenic (1 of 4 stars; one submission).

Conditions:
Dyskeratosis congenita. Identifiers: Orphanet 1775, MedGen C0265965, MONDO:0015780.

Submission:

Natera, Inc.
Classification: Likely pathogenic for Dyskeratosis congenita. Last evaluated: 2024-11-05. Review status: criteria provided, single submitter. Criteria: Natera Variant Classification Schema (03/2026). Collection method: clinical testing. Allele origin: germline.
Comment: The c.3188dup variant in RTEL1 is a frameshift variant predicted to shift the reading frame beginning at codon 1064 and leads to a stop codon 27 codons downstream. This variant is expected to result in nonsense mediated decay, truncation, or a dysfunctional protein product. This variant is rare in the general population with a frequency below the threshold expected for the associated phenotype(s). Given the available evidence, this variant is classified as Likely Pathogenic.

NM_001283009.2(RTEL1):c.3116dup (p.Gly1040fs)

Genes: RTEL1 (regulator of telomere elongation helicase 1; plus strand), RTEL1-TNFRSF6B (RTEL1-TNFRSF6B readthrough (NMD candidate); plus strand). Cytogenetic location: 20q13.33.
Variant type: Duplication.
Coding change: c.3116dup on transcript NM_001283009.2 (MANE Select); coding-DNA position 3116, one base duplicated (C; older notation c.3116dupC).
Protein change: p.Gly1040fs; shifts the reading frame from glycine 1040.
Molecular consequence: frameshift variant. On other transcripts: non-coding transcript variant (1).
Genome position (GRCh38, 1-based): chr20:63,694,747, C duplicated; the last of 3 consecutive C bases (chr20:63,694,745-63,694,747); duplicating any one gives the same sequence. VCF-style (leftmost placement, unchanged base first): chr20-63694744-A-AC. GRCh37 (hg19) VCF-style: chr20-62326097-A-AC.
Other names: c.2447dup, p.Gly817fs (NM_001283010.1); c.3116dup, p.Gly1040fs (NM_016434.4); c.3188dup, p.Gly1064fs (NM_032957.5); short protein forms G1040fs, G1064fs, G817fs.
Identifiers: ClinVar variation 4816354 (VCV004816354.1).
Genomic context (GRCh38, chr20:63,694,744, plus strand): 5'-TGGGACTCTCAGTCCTCCACCCCAGCGCCACTCTGAGCCATGCTACTCCCACACCAGGAG[A>AC]CCCTGGCAGCCAACCACAGTGGGGGTCTGGAGTGCCCAGAGCAGGGAAGCAGGGCCAGCA-3'